The following is an entry in ClinVar:

NM_001458.5(FLNC):c.1265A>G (p.Asp422Gly)

Gene: FLNC (filamin C; plus strand). Cytogenetic location: 7q32.1.
Variant type: single nucleotide variant.
Coding change: c.1265A>G on transcript NM_001458.5 (MANE Select); coding-DNA position 1265, A replaced by G.
Protein change: p.Asp422Gly; replaces aspartic acid 422 with glycine.
Molecular consequence: missense variant.
Genome position (GRCh38, 1-based): chr7:128,838,657, A>G. VCF-style: chr7-128838657-A-G. GRCh37 (hg19) VCF-style: chr7-128478711-A-G.
Other names: c.1265A>G, p.Asp422Gly (NM_001127487.2); short protein forms D422G.
Identifiers: ClinVar variation 2921531 (VCV002921531.3), dbSNP rs2536622090, ClinGen allele CA369224489.
Genomic context (GRCh38, chr7:128,838,657, plus strand): 5'-CGGCAGGGGCCGGCACTGGCGATGTTGCTGTGGTGATCGTGGACCCACAGGGCCGGCGGG[A>G]CACAGTGGAGGTGGCCCTGGAGGACAAGGGTGACAGCACGTTCCGCTGCACATACAGACC-3'
Protein context (NP_001449.3, residues 412-432): VVIVDPQGRR[Asp422Gly]TVEVALEDKG

ClinVar aggregate classification (germline): Uncertain significance (1 of 4 stars; one submission).

Conditions:
Myofibrillar myopathy 5. Also called: FILAMINOPATHY, AUTOSOMAL DOMINANT; Filaminopathy (type). Identifiers: Orphanet 171445, MedGen C1836050, MONDO:0012289, OMIM 609524.
Hypertrophic cardiomyopathy 26. Also called: Cardiomyopathy, familial hypertrophic, 26. Identifiers: Orphanet 75249, MedGen C4310749, MONDO:0014883, OMIM 617047.
Distal myopathy with posterior leg and anterior hand involvement. Also called: WILLIAMS DISTAL MYOPATHY. Identifiers: Orphanet 63273, MedGen C3279722, MONDO:0013550, OMIM 614065.

Submission:

Labcorp Genetics (formerly Invitae), Labcorp
Classification: Uncertain significance for Distal myopathy with posterior leg and anterior hand involvement; Myofibrillar myopathy 5; Hypertrophic cardiomyopathy 26. Last evaluated: 2023-12-18. Review status: criteria provided, single submitter. Criteria: Invitae Variant Classification Sherloc (09022015). Collection method: clinical testing. Allele origin: germline.
Comment: This sequence change replaces aspartic acid, which is acidic and polar, with glycine, which is neutral and non-polar, at codon 422 of the FLNC protein (p.Asp422Gly). This variant is not present in population databases (gnomAD no frequency). This variant has not been reported in the literature in individuals affected with FLNC-related conditions. Advanced modeling of protein sequence and biophysical properties (such as structural, functional, and spatial information, amino acid conservation, physicochemical variation, residue mobility, and thermodynamic stability) has been performed at Invitae for this missense variant, however the output from this modeling did not meet the statistical confidence thresholds required to predict the impact of this variant on FLNC protein function. In summary, the available evidence is currently insufficient to determine the role of this variant in disease. Therefore, it has been classified as a Variant of Uncertain Significance.